The following is an entry in ClinVar:

ClinVar aggregate classification (germline): Conflicting classifications of pathogenicity. Review status: criteria provided, conflicting classifications (1 of 4 stars). 2 submissions from 2 submitters: Uncertain significance (1); Likely benign (1). Last evaluated 2026-01-16.

Conditions:
Hereditary cancer-predisposing syndrome. Also called: Hereditary neoplastic syndrome; Tumor predisposition; Neoplastic Syndromes, Hereditary; Hereditary Cancer Syndrome. Identifiers: Orphanet 140162, MedGen C0027672, MeSH D009386, MONDO:0015356.

Submissions (2):

Ambry Genetics
Classification: Likely benign for Hereditary cancer-predisposing syndrome. Last evaluated: 2026-01-16. Review status: criteria provided, single submitter. Criteria: Ambry Variant Classification Scheme 2023. Collection method: clinical testing. Allele origin: germline.

Labcorp Genetics (formerly Invitae), Labcorp
Classification: Uncertain significance. Last evaluated: 2024-09-14. Review status: criteria provided, single submitter. Criteria: Invitae Variant Classification Sherloc (09022015). Collection method: clinical testing. Allele origin: germline.
Comment: This sequence change replaces aspartic acid, which is acidic and polar, with valine, which is neutral and non-polar, at codon 1948 of the POLE protein (p.Asp1948Val). This variant is not present in population databases (gnomAD no frequency). This variant has not been reported in the literature in individuals affected with POLE-related conditions. ClinVar contains an entry for this variant (Variation ID: 1358398). An algorithm developed to predict the effect of missense changes on protein structure and function (PolyPhen-2) suggests that this variant is likely to be tolerated. In summary, the available evidence is currently insufficient to determine the role of this variant in disease. Therefore, it has been classified as a Variant of Uncertain Significance.

NM_006231.4(POLE):c.5843A>T (p.Asp1948Val)

Gene: POLE (DNA polymerase epsilon, catalytic subunit; minus strand). Cytogenetic location: 12q24.33.
Variant type: single nucleotide variant.
Coding change: c.5843A>T on transcript NM_006231.4 (MANE Select); coding-DNA position 5843, A replaced by T.
Protein change: p.Asp1948Val; replaces aspartic acid 1948 with valine.
Molecular consequence: missense variant.
Genome position (GRCh38, 1-based): chr12:132,634,347, T>A on the plus strand (A>T on the coding strand, the complement: POLE is on the minus strand). VCF-style: chr12-132634347-T-A. GRCh37 (hg19) VCF-style: chr12-133210933-T-A.
Other names: c.5843A>T (NM_006231.2); short protein forms D1948V.
Identifiers: ClinVar variation 1358398 (VCV001358398.9), dbSNP rs372504703, ClinGen allele CA387371818.
Genomic context (GRCh38, chr12:132,634,347, plus strand): 5'-TCCGCCTCTTCCTCCTCCTCCCCATCTCTTTCCTCCTCATCGTCCTCATTTTCCTGCTCA[T>A]CCTCTGCTCCCCCTGCTTTCTGGGAGTCTTGCTGTAACACATGAGACAACGCGGCTGTGT-3'
Protein context (NP_006222.2, residues 1938-1958): QDSQKAGGAE[Asp1948Val]EQENEDDEEE